The following is an entry in ClinVar:

NM_016239.4(MYO15A):c.3756+1G>T

Gene: MYO15A (myosin XVA; plus strand). Cytogenetic location: 17p11.2.
Variant type: single nucleotide variant.
Coding change: c.3756+1G>T on transcript NM_016239.4 (MANE Select); the canonical splice donor site of the intron after coding-DNA position 3756, G replaced by T.
Molecular consequence: splice donor variant.
Genome position (GRCh38, 1-based): chr17:18,125,232, G>T. VCF-style: chr17-18125232-G-T. GRCh37 (hg19) VCF-style: chr17-18028546-G-T.
Other names: IVS4DS, G-T, +1.
Identifiers: ClinVar variation 6954 (VCV000006954.5), dbSNP rs748108031, ClinGen allele CA398590253.

ClinVar aggregate classification (germline): Pathogenic. Review status: criteria provided, single submitter (1 of 4 stars). 2 submissions from 2 submitters: Pathogenic (1). 1 of the submissions does not count toward it. Last evaluated 2023-05-26.

Conditions:
Autosomal recessive nonsyndromic hearing loss 3. Also called: NEUROSENSORY NONSYNDROMIC RECESSIVE DEAFNESS 3. Identifiers: Orphanet 90636, MedGen C1838263, MONDO:0010860, OMIM 600316.

Allele frequency attached by ClinVar (database versions not stated): gnomAD 0.00003.
gnomAD v4.1: 1 of 1,613,922 alleles (0.000062%); highest among the groups gnomAD compares: Non-Finnish European, 0.000085%; no homozygotes.

Submissions (2):

Labcorp Genetics (formerly Invitae), Labcorp
Classification: Pathogenic. Last evaluated: 2023-05-26. Review status: criteria provided, single submitter. Criteria: Invitae Variant Classification Sherloc (09022015). Collection method: clinical testing. Allele origin: germline.
Comment: This sequence change affects a donor splice site in intron 4 of the MYO15A gene. It is expected to disrupt RNA splicing. Variants that disrupt the donor or acceptor splice site typically lead to a loss of protein function (PMID: 16199547), and loss-of-function variants in MYO15A are known to be pathogenic (PMID: 17546645). This variant is present in population databases (no rsID available, gnomAD 0.007%). Disruption of this splice site has been observed in individuals with deafness (PMID: 11735029, 26763877). It has also been observed to segregate with disease in related individuals. ClinVar contains an entry for this variant (Variation ID: 6954). Algorithms developed to predict the effect of sequence changes on RNA splicing suggest that this variant may disrupt the consensus splice site. For these reasons, this variant has been classified as Pathogenic.

OMIM
Classification: Pathogenic for DEAFNESS, AUTOSOMAL RECESSIVE 3. Last evaluated: 2001-11-01. Review status: no assertion criteria provided. Collection method: literature only. Allele origin: germline. Not counted in ClinVar's aggregate classification.

Literature cited by the submitters: PubMed 16199547 (cited by Labcorp Genetics (formerly Invitae), Labcorp); PubMed 17546645 (cited by Labcorp Genetics (formerly Invitae), Labcorp); PubMed 11735029 (cited by Labcorp Genetics (formerly Invitae), Labcorp and OMIM); PubMed 26763877 (cited by Labcorp Genetics (formerly Invitae), Labcorp).